The following is an entry in ClinVar:

ClinVar aggregate classification (germline): Benign/Likely benign. Review status: criteria provided, multiple submitters, no conflicts (2 of 4 stars). 5 submissions from 5 submitters: Benign (2); Likely benign (1). 2 of the submissions do not count toward it. Last evaluated 2025-12-25.

Conditions:
Retinitis pigmentosa (RP). Identifiers: Orphanet 791, MedGen C0035334, MeSH D012174, MONDO:0019200, OMIM 268000. Inheritance: Autosomal dominant, autosomal recessive and X linked inheritance.

Allele frequency attached by ClinVar (database versions not stated): TOPMed 0.00006; gnomAD 0.00008 and 0.00044; ESP Exome Variant Server 0.00015; gnomAD exomes 0.00058 and 0.00107; ExAC 0.00125; 1000 Genomes Project 0.00240; 1000 Genomes Project 30x 0.00250.
gnomAD v4.1: 926 of 1,614,122 alleles (0.057%); highest among the groups gnomAD compares: South Asian, 0.78%; 9 homozygotes.

Submissions (5):

Labcorp Genetics (formerly Invitae), Labcorp
Classification: Benign. Last evaluated: 2025-12-25. Review status: criteria provided, single submitter. Criteria: Invitae Variant Classification Sherloc (09022015). Collection method: clinical testing. Allele origin: germline.

Blueprint Genetics
Classification: Likely benign. Last evaluated: 2024-11-13. Review status: criteria provided, single submitter. Criteria: ACMG Guidelines, 2015. Collection method: clinical testing. Allele origin: germline.

Illumina Laboratory Services, Illumina
Classification: Benign for Retinitis pigmentosa. Last evaluated: 2018-01-13. Review status: criteria provided, single submitter. Criteria: ICSL Variant Classification Criteria 13 December 2019. Collection method: clinical testing. Allele origin: germline.
Comment: This variant was observed in the ICSL laboratory as part of a predisposition screen in an ostensibly healthy population. It had not been previously curated by ICSL or reported in the Human Gene Mutation Database (HGMD: prior to June 1st, 2018), and was therefore a candidate for classification through an automated scoring system. Utilizing variant allele frequency, disease prevalence and penetrance estimates, and inheritance mode, an automated score was calculated to assess if this variant is too frequent to cause the disease. Based on the score and internal cut-off values, a variant classified as benign is not then subjected to further curation. The score for this variant resulted in a classification of benign for this disease.

Clinical Genetics DNA and cytogenetics Diagnostics Lab, Erasmus MC, Erasmus Medical Center
Classification: Likely benign. Review status: no assertion criteria provided. Collection method: clinical testing. Allele origin: germline. Affected: yes. Study: VKGL Data-share Consensus. Not counted in ClinVar's aggregate classification.

Clinical Genetics, Academic Medical Center
Classification: Benign. Review status: no assertion criteria provided. Collection method: clinical testing. Allele origin: germline. Affected: yes. Study: VKGL Data-share Consensus. Not counted in ClinVar's aggregate classification.

NM_006269.2(RP1):c.3999C>T (p.Tyr1333=)

Gene: RP1 (RP1 axonemal microtubule associated; plus strand). Cytogenetic location: 8q12.1.
Variant type: single nucleotide variant.
Coding change: c.3999C>T on transcript NM_006269.2 (MANE Select); coding-DNA position 3999, C replaced by T.
Protein change: p.Tyr1333=; no amino-acid change (tyrosine 1333 retained).
Molecular consequence: synonymous variant.
Genome position (GRCh38, 1-based): chr8:54,627,881, C>T. VCF-style: chr8-54627881-C-T. GRCh37 (hg19) VCF-style: chr8-55540441-C-T.
Identifiers: ClinVar variation 363296 (VCV000363296.16), dbSNP rs146602041, ClinGen allele CA4751786.